The following is an entry in ClinVar:

ClinVar aggregate classification (germline): Likely benign (1 of 4 stars; one submission).

Conditions:
Intellectual developmental disorder, autosomal dominant 43. Also called: Intellectual disability, autosomal dominant 43. Identifiers: MedGen C4707429, MONDO:0014858, OMIM 616977.

Submission:

Centre for Medical Genetics,  Mumbai
Classification: Likely benign for Intellectual developmental disorder, autosomal dominant 43. Last evaluated: 2026-05-13. Review status: criteria provided, single submitter. Criteria: ACMG Guidelines, 2015. Collection method: provider interpretation. Allele origin: germline. Inheritance: Autosomal dominant inheritance. Affected: no. Observed: 1 variant allele, 1 heterozygote.
Comment: The variant satisfies PM2 criteria - extremely low frequency in gnomAD population databases. The variant satisfies BP4 criteria - for a missense or a splice region variant, computational prediction tools unanimously support a benign effect on the gene. However, the variant satisfies BS2 criteria - present in heterozygous state in an individual that clinically does not have intellectual developmental disorder.

Literature cited by the submitters: PubMed 23020937.

NM_006734.4(HIVEP2):c.3365G>A (p.Gly1122Asp)

Gene: HIVEP2 (HIVEP zinc finger 2; minus strand). Cytogenetic location: 6q24.2.
Variant type: single nucleotide variant.
Coding change: c.3365G>A on transcript NM_006734.4 (MANE Select); coding-DNA position 3365, G replaced by A.
Protein change: p.Gly1122Asp; replaces glycine 1122 with aspartic acid.
Molecular consequence: missense variant.
Genome position (GRCh38, 1-based): chr6:142,771,374, C>T on the plus strand (G>A on the coding strand, the complement: HIVEP2 is on the minus strand). VCF-style: chr6-142771374-C-T. GRCh37 (hg19) VCF-style: chr6-143092511-C-T.
Other names: c.3365G>A, p.Gly1122Asp (NM_001438449.1, NM_001438450.1, NM_001438451.1); short protein forms G1122D.
Identifiers: ClinVar variation 4852309 (VCV004852309.1).